The following is an entry in ClinVar:

ClinVar aggregate classification (germline): Uncertain significance (1 of 4 stars; one submission).

Submission:

Mayo Clinic Laboratories, Mayo Clinic
Classification: Uncertain significance. Last evaluated: 2023-12-01. Review status: criteria provided, single submitter. Criteria: ACMG Guidelines, 2015. Collection method: clinical testing. Allele origin: germline. Observed: 1 variant allele.
Comment: PM2_moderate

NM_001351132.2(PEX5):c.317C>T (p.Ala106Val)

Gene: PEX5 (peroxisomal biogenesis factor 5; plus strand). Cytogenetic location: 12p13.31.
Variant type: single nucleotide variant.
Coding change: c.317C>T on transcript NM_001351132.2 (MANE Select); coding-DNA position 317, C replaced by T.
Protein change: p.Ala106Val; replaces alanine 106 with valine.
Molecular consequence: missense variant.
Genome position (GRCh38, 1-based): chr12:7,191,569, C>T. VCF-style: chr12-7191569-C-T. GRCh37 (hg19) VCF-style: chr12-7344165-C-T.
Other names: p.Ala121Val; c.317C>T, p.Ala106Val (NM_000319.5, NM_001131024.2, NM_001131025.2 and 19 more transcripts); c.362C>T, p.Ala121Val (NM_001131023.2, NM_001351135.3, NM_001351138.2); short protein forms A106V, A121V.
Identifiers: ClinVar variation 3380091 (VCV003380091.1).